The following is an entry in ClinVar:

ClinVar aggregate classification (germline): Uncertain significance (1 of 4 stars; one submission).

Allele frequency attached by ClinVar (database versions not stated): gnomAD exomes below 0.00001; gnomAD 0.00001.
gnomAD v4.1: 7 of 1,549,682 alleles (0.00045%); highest among the groups gnomAD compares: Non-Finnish European, 0.00061%; no homozygotes.

Submission:

Labcorp Genetics (formerly Invitae), Labcorp
Classification: Uncertain significance. Last evaluated: 2022-02-17. Review status: criteria provided, single submitter. Criteria: Invitae Variant Classification Sherloc (09022015). Collection method: clinical testing. Allele origin: germline.
Comment: In summary, the available evidence is currently insufficient to determine the role of this variant in disease. Therefore, it has been classified as a Variant of Uncertain Significance. Algorithms developed to predict the effect of missense changes on protein structure and function output the following: SIFT: "Tolerated"; PolyPhen-2: "Benign"; Align-GVGD: "Class C0". The proline amino acid residue is found in multiple mammalian species, which suggests that this missense change does not adversely affect protein function. This variant has not been reported in the literature in individuals affected with ZNF469-related conditions. This variant is not present in population databases (gnomAD no frequency). This sequence change replaces leucine, which is neutral and non-polar, with proline, which is neutral and non-polar, at codon 142 of the ZNF469 protein (p.Leu142Pro).

NM_001367624.2(ZNF469):c.425T>C (p.Leu142Pro)

Gene: ZNF469 (zinc finger protein 469; plus strand). Cytogenetic location: 16q24.2.
Variant type: single nucleotide variant.
Coding change: c.425T>C on transcript NM_001367624.2 (MANE Select); coding-DNA position 425, T replaced by C.
Protein change: p.Leu142Pro; replaces leucine 142 with proline.
Molecular consequence: missense variant.
Genome position (GRCh38, 1-based): chr16:88,427,895, T>C. VCF-style: chr16-88427895-T-C. GRCh37 (hg19) VCF-style: chr16-88494303-T-C.
Other names: short protein forms L142P.
Identifiers: ClinVar variation 2097903 (VCV002097903.4), dbSNP rs1567508778, ClinGen allele CA397059749.